The following is an entry in ClinVar:

NM_032447.5(FBN3):c.1398C>G (p.Ile466Met)

Gene: FBN3 (fibrillin 3; minus strand). Cytogenetic location: 19p13.2.
Variant type: single nucleotide variant.
Coding change: c.1398C>G on transcript NM_032447.5 (MANE Select); coding-DNA position 1398, C replaced by G.
Protein change: p.Ile466Met; replaces isoleucine 466 with methionine.
Molecular consequence: missense variant.
Genome position (GRCh38, 1-based): chr19:8,136,257, G>C on the plus strand (C>G on the coding strand, the complement: FBN3 is on the minus strand). VCF-style: chr19-8136257-G-C. GRCh37 (hg19) VCF-style: chr19-8201141-G-C.
Other names: c.1398C>G, p.Ile466Met (NM_001321431.2); short protein forms I466M.
Identifiers: ClinVar variation 3615542 (VCV003615542.2).
Genomic context (GRCh38, chr19:8,136,257, plus strand): 5'-TGCCTGCCTGGTGGGCGTGGCCTGGAAGCCCGGGTAGCACCGGCAGTGGTAGGTGCCGGG[G>C]ATGTTGACGCAGTCACCGTGGTGGCAGGGGCTGCTGGTGCATTCGTCTACATCTGAGGGG-3'
Protein context (NP_115823.3, residues 456-476): SPCHHGDCVN[Ile466Met]PGTYHCRCYP

ClinVar aggregate classification (germline): Uncertain significance (1 of 4 stars; one submission).

gnomAD v4.1: 1 of 1,608,168 alleles (0.000062%); no homozygotes.

Submission:

Labcorp Genetics (formerly Invitae), Labcorp
Classification: Uncertain significance. Last evaluated: 2024-01-29. Review status: criteria provided, single submitter. Criteria: Invitae Variant Classification Sherloc (09022015). Collection method: clinical testing. Allele origin: germline.
Comment: This sequence change replaces isoleucine, which is neutral and non-polar, with methionine, which is neutral and non-polar, at codon 466 of the FBN3 protein (p.Ile466Met). This variant is not present in population databases (gnomAD no frequency). This variant has not been reported in the literature in individuals affected with FBN3-related conditions. Advanced modeling of protein sequence and biophysical properties (such as structural, functional, and spatial information, amino acid conservation, physicochemical variation, residue mobility, and thermodynamic stability) performed at Invitae indicates that this missense variant is not expected to disrupt FBN3 protein function with a negative predictive value of 80%. In summary, the available evidence is currently insufficient to determine the role of this variant in disease. Therefore, it has been classified as a Variant of Uncertain Significance.